The following is an entry in ClinVar:

NM_001365951.3(KIF1B):c.4885C>T (p.Leu1629Phe)

Gene: KIF1B (kinesin family member 1B; plus strand). Cytogenetic location: 1p36.22.
Variant type: single nucleotide variant.
Coding change: c.4885C>T on transcript NM_001365951.3 (MANE Select); coding-DNA position 4885, C replaced by T.
Protein change: p.Leu1629Phe; replaces leucine 1629 with phenylalanine.
Molecular consequence: missense variant.
Genome position (GRCh38, 1-based): chr1:10,371,201, C>T. VCF-style: chr1-10371201-C-T. GRCh37 (hg19) VCF-style: chr1-10431259-C-T.
Other names: c.4885C>T, p.Leu1629Phe (NM_001365952.1); c.4747C>T, p.Leu1583Phe (NM_015074.3); short protein forms L1629F, L1583F.
Identifiers: ClinVar variation 2563654 (VCV002563654.2), dbSNP rs2521952040, ClinGen allele CA338327566.
Genomic context (GRCh38, chr1:10,371,201, plus strand): 5'-TTGTCTGATATCTCTCCAATTGGACGGGATCCCTCTGAGTCCAGTTTCAGCAGTGCCACC[C>T]TCACTCCCTCCTCCACCTGTCCCTCTCTGGTAGACTCTAGGAGCAACTCTCTGGATCAGA-3'
Protein context (NP_001352880.1, residues 1619-1639): PSESSFSSAT[Leu1629Phe]TPSSTCPSLV

ClinVar aggregate classification (germline): Uncertain significance (1 of 4 stars; one submission).

Submission:

Ambry Genetics
Classification: Uncertain significance. Last evaluated: 2023-06-01. Review status: criteria provided, single submitter. Criteria: Ambry Variant Classification Scheme 2023. Collection method: clinical testing. Allele origin: germline.
Comment: The p.L1583F variant (also known as c.4747C>T), located in coding exon 42 of the KIF1B gene, results from a C to T substitution at nucleotide position 4747. The leucine at codon 1583 is replaced by phenylalanine, an amino acid with highly similar properties. This amino acid position is conserved. In addition, this alteration is predicted to be tolerated by in silico analysis. Since supporting evidence is limited at this time, the clinical significance of this alteration remains unclear.